The following is an entry in ClinVar:

ClinVar aggregate classification (germline): Uncertain significance (1 of 4 stars; one submission).

Conditions:
Inborn genetic diseases. Identifiers: MedGen C0950123, MeSH D030342.

Submission:

Ambry Genetics
Classification: Uncertain significance for Inborn genetic diseases. Last evaluated: 2022-01-25. Review status: criteria provided, single submitter. Criteria: Ambry Variant Classification Scheme 2023. Collection method: clinical testing. Allele origin: germline.
Comment: The c.1505T>C (p.F502S) alteration is located in coding exon 8 of the KCNH1 gene. This alteration results from a T to C substitution at nucleotide position 1505, causing the phenylalanine (F) at amino acid position 502 to be replaced by a serine (S). This variant was not reported in population-based cohorts in the Genome Aggregation Database (gnomAD). This amino acid position is highly conserved in available vertebrate species. This missense alteration is located in a region that has a low rate of benign missense variation (Lek, 2016; Firth, 2009). The p.F502S amino acid is located in the S6 transmembrane domain. This alteration is predicted to be deleterious by in silico analysis. Based on insufficient or conflicting evidence, the clinical significance of this alteration remains unclear.

NM_172362.3(KCNH1):c.1505T>C (p.Phe502Ser)

Gene: KCNH1 (potassium voltage-gated channel subfamily H member 1; minus strand). Cytogenetic location: 1q32.2.
Variant type: single nucleotide variant.
Coding change: c.1505T>C on transcript NM_172362.3 (MANE Select); coding-DNA position 1505, T replaced by C.
Protein change: p.Phe502Ser; replaces phenylalanine 502 with serine.
Molecular consequence: missense variant.
Genome position (GRCh38, 1-based): chr1:210,804,124, A>G on the plus strand (T>C on the coding strand, the complement: KCNH1 is on the minus strand). VCF-style: chr1-210804124-A-G. GRCh37 (hg19) VCF-style: chr1-210977466-A-G.
Other names: c.1424T>C, p.Phe475Ser (NM_002238.4); short protein forms F502S, F475S.
Identifiers: ClinVar variation 521999 (VCV000521999.5), dbSNP rs1553345934, ClinGen allele CA344874522.